The following is an entry in ClinVar:

NM_001457.4(FLNB):c.5371A>G (p.Thr1791Ala)

Gene: FLNB (filamin B; plus strand). Cytogenetic location: 3p14.3.
Variant type: single nucleotide variant.
Coding change: c.5371A>G on transcript NM_001457.4 (MANE Select); coding-DNA position 5371, A replaced by G.
Protein change: p.Thr1791Ala; replaces threonine 1791 with alanine.
Molecular consequence: missense variant.
Genome position (GRCh38, 1-based): chr3:58,143,559, A>G. VCF-style: chr3-58143559-A-G. GRCh37 (hg19) VCF-style: chr3-58129286-A-G.
Other names: c.5464A>G, p.Thr1822Ala (NM_001164317.2); c.5338A>G, p.Thr1780Ala (NM_001164318.2); c.5299A>G, p.Thr1767Ala (NM_001164319.2); short protein forms T1767A, T1780A, T1791A, T1822A.
Identifiers: ClinVar variation 3635741 (VCV003635741.2).
Genomic context (GRCh38, chr3:58,143,559, plus strand): 5'-ACAGCCACACCTGAGATTGTGGACAACAAGGACGGCACGGTCACTGTTAGATATGCCCCC[A>G]CTGAGGTCGGGCTCCATGAGATGCACATCAAATACATGGGCAGCCACATCCCTGGTAAGC-3'
Protein context (NP_001448.2, residues 1781-1801): DGTVTVRYAP[Thr1791Ala]EVGLHEMHIK

ClinVar aggregate classification (germline): Uncertain significance (1 of 4 stars; one submission).

gnomAD v4.1: 1 of 1,614,124 alleles (0.000062%); highest among the groups gnomAD compares: Middle Eastern, 0.017%; no homozygotes.

Submission:

Labcorp Genetics (formerly Invitae), Labcorp
Classification: Uncertain significance. Last evaluated: 2024-10-17. Review status: criteria provided, single submitter. Criteria: Invitae Variant Classification Sherloc (09022015). Collection method: clinical testing. Allele origin: germline.
Comment: This sequence change replaces threonine, which is neutral and polar, with alanine, which is neutral and non-polar, at codon 1791 of the FLNB protein (p.Thr1791Ala). This variant is not present in population databases (gnomAD no frequency). This variant has not been reported in the literature in individuals affected with FLNB-related conditions. Invitae Evidence Modeling of protein sequence and biophysical properties (such as structural, functional, and spatial information, amino acid conservation, physicochemical variation, residue mobility, and thermodynamic stability) indicates that this missense variant is not expected to disrupt FLNB protein function with a negative predictive value of 95%. In summary, the available evidence is currently insufficient to determine the role of this variant in disease. Therefore, it has been classified as a Variant of Uncertain Significance.